The following is an entry in ClinVar:

ClinVar aggregate classification (germline): Pathogenic. Review status: criteria provided, multiple submitters, no conflicts (2 of 4 stars). 5 submissions from 5 submitters: Pathogenic (3). 2 of the submissions do not count toward it. Last evaluated 2025-06-17.

Conditions:
JAG1-related disorder. Also called: JAG1-related condition; JAG1-related disorders.
Alagille syndrome due to a JAG1 point mutation. Also called: HEPATIC DUCTULAR HYPOPLASIA, SYNDROMATIC; Alagille Syndrome 1; JAG1-Related Alagille Syndrome. Identifiers: Orphanet 261619, Orphanet 52, MedGen C1956125, MONDO:0016862, OMIM 118450.

Submissions (5):

Labcorp Genetics (formerly Invitae), Labcorp
Classification: Pathogenic for Alagille syndrome due to a JAG1 point mutation. Last evaluated: 2025-06-17. Review status: criteria provided, single submitter. Criteria: Invitae Variant Classification Sherloc (09022015). Collection method: clinical testing. Allele origin: germline.
Comment: This sequence change creates a premature translational stop signal (p.Gln147*) in the JAG1 gene. It is expected to result in an absent or disrupted protein product. Loss-of-function variants in JAG1 are known to be pathogenic (PMID: 11180599). This variant is not present in population databases (gnomAD no frequency). This premature translational stop signal has been observed in individual(s) with Alagille syndrome (PMID: 16575836, 19948535, 26076142). In at least one individual the variant was observed to be de novo. ClinVar contains an entry for this variant (Variation ID: 287254). For these reasons, this variant has been classified as Pathogenic.

GeneDx
Classification: Pathogenic. Last evaluated: 2025-06-03. Review status: criteria provided, single submitter. Criteria: GeneDx Variant Classification Process June 2021. Collection method: clinical testing. Allele origin: germline. Affected: yes.
Comment: Identified in patients with features consistent with Alagille syndrome referred for genetic testing at GeneDx and in published literature (PMID: 16575836, 26076142, 19948535, 31343788); Nonsense variant predicted to result in protein truncation or nonsense mediated decay in a gene for which loss of function is a known mechanism of disease; Not observed at significant frequency in large population cohorts (gnomAD); This variant is associated with the following publications: (PMID: 25525159, Song2024, 26076142, 16575836, 19948535, 31343788)

Eurofins Ntd Llc (ga)
Classification: Pathogenic. Last evaluated: 2017-11-07. Review status: criteria provided, single submitter. Criteria: EGL Classification Definitions 2015. Collection method: clinical testing. Allele origin: germline. Observed: 6 variant alleles, 6 heterozygotes.

PreventionGenetics, part of Exact Sciences
Classification: Pathogenic for JAG1-related condition. Last evaluated: 2024-08-09. Review status: no assertion criteria provided. Collection method: clinical testing. Allele origin: germline. Not counted in ClinVar's aggregate classification.
Comment: The JAG1 c.439C>T variant is predicted to result in premature protein termination (p.Gln147*). This variant has been reported to be pathogenic for Alagille syndrome (Warthen et al. 2006. PubMed ID: 16575836). To our knowledge, this variant has not been reported in a large population database, indicating this variant is rare. Nonsense variants in JAG1 are expected to be pathogenic. This variant is interpreted as pathogenic.

Credence Genomics
Classification: Pathogenic for Alagille syndrome due to a JAG1 point mutation. Last evaluated: 2021-12-20. Review status: no assertion criteria provided. Collection method: clinical testing. Allele origin: germline. Inheritance: Autosomal dominant inheritance. Affected: yes. Observed: 1 heterozygote. Not counted in ClinVar's aggregate classification.
Comment: This mutation caused stop gain in JAG1 gene and expected to result a pathogenic loss of function variant. This is previously reported by Warthen 2006 and Liting Li 2015 .

Literature cited by the submitters: PubMed 11180599 (cited by Labcorp Genetics (formerly Invitae), Labcorp); PubMed 16575836 (cited by 3 submitters); PubMed 19948535 (cited by Labcorp Genetics (formerly Invitae), Labcorp); PubMed 26076142 (cited by 3 submitters).

NM_000214.3(JAG1):c.439C>T (p.Gln147Ter)

Gene: JAG1 (jagged canonical Notch ligand 1; minus strand). Cytogenetic location: 20p12.2.
Variant type: single nucleotide variant.
Coding change: c.439C>T on transcript NM_000214.3 (MANE Select); coding-DNA position 439, C replaced by T.
Protein change: p.Gln147Ter; replaces glutamine 147 with a stop codon.
Molecular consequence: nonsense.
Genome position (GRCh38, 1-based): chr20:10,663,963, G>A on the plus strand (C>T on the coding strand, the complement: JAG1 is on the minus strand). VCF-style: chr20-10663963-G-A. GRCh37 (hg19) VCF-style: chr20-10644611-G-A.
Other names: Protein jagged-1; c.439C>T, p.Gln147Ter (LRG_1191t1); short protein forms Q147*.
Identifiers: ClinVar variation 287254 (VCV000287254.16), dbSNP rs886043606, ClinGen allele CA10605717.